The following is an entry in ClinVar:

ClinVar aggregate classification (germline): Pathogenic/Likely pathogenic. Review status: criteria provided, multiple submitters, no conflicts (2 of 4 stars). 2 submissions from 2 submitters: Pathogenic (1); Likely pathogenic (1). Last evaluated 2024-06-07.

Conditions:
Mucopolysaccharidosis, MPS-II (MPS2). Also called: Mucopolysaccharidosis type 2; Hunter Syndrome; IDURONATE 2-SULFATASE DEFICIENCY; Mucopolysaccharidosis Type II; IDS deficiency; Sulfoiduronate sulfatase deficiency. Identifiers: Orphanet 580, Orphanet 79388, MedGen C0026705, MONDO:0010674, OMIM 309900.

Submissions (2):

Laboratory of Diagnosis and Therapy of Lysosomal Disorders, University of Padova
Classification: Likely pathogenic for Mucopolysaccharidosis, MPS-II. Last evaluated: 2024-06-07. Review status: criteria provided, single submitter. Criteria: ACMG Guidelines, 2015. Collection method: literature only. Allele origin: germline. Affected: yes. Observed: 6 variant alleles.
Comment: In vitro or in vivo functional studies supportive of a damaging effect (PS3_Moderate), Prevalence of the variant significantly increased in affected individuals compared with controls (PS4_Supporting), Absent from controls (or at low frequency) in gnomAD database (PM2_Moderate), Missense change at the same amino acid residue as a pathogenic variant (PM5_Moderate), Missense variant in a gene with a low rate of benign missense variation (PP2_Supporting), Multiple lines of computational evidence support a deleterious effect (PP3_Supporting), Patient’s phenotype or family history highly specific for the disease (PP4_Moderate)

Classification method: ACMG Guidelines [PMID:25741868] with modifications

Department of Medical Genetics, Sanjay Gandhi Post Graduate Institute of Medical Sciences
Classification: Pathogenic for Mucopolysaccharidosis, MPS-II. Review status: criteria provided, single submitter. Criteria: ACMG Guidelines, 2015. Collection method: clinical testing. Allele origin: maternal. Inheritance: X-linked recessive inheritance. Affected: yes.

Literature cited by the submitters: PubMed 35144014 (cited by Laboratory of Diagnosis and Therapy of Lysosomal Disorders, University of Padova); PubMed 24798265 (cited by Laboratory of Diagnosis and Therapy of Lysosomal Disorders, University of Padova); PubMed 33960103 (cited by Laboratory of Diagnosis and Therapy of Lysosomal Disorders, University of Padova); PubMed 26897145 (cited by Laboratory of Diagnosis and Therapy of Lysosomal Disorders, University of Padova); PubMed 28543354 (cited by Laboratory of Diagnosis and Therapy of Lysosomal Disorders, University of Padova); PubMed 30639582 (cited by Laboratory of Diagnosis and Therapy of Lysosomal Disorders, University of Padova).

NM_000202.8(IDS):c.1047C>A (p.Ser349Arg)

Genes: IDS (iduronate 2-sulfatase; minus strand), LOC106050102 (IDS recombination region; plus strand). Cytogenetic location: Xq28.
Variant type: single nucleotide variant.
Coding change: c.1047C>A on transcript NM_000202.8 (MANE Select); coding-DNA position 1047, C replaced by A.
Protein change: p.Ser349Arg; replaces serine 349 with arginine.
Molecular consequence: missense variant.
Genome position (GRCh38, 1-based): chrX:149,487,058, G>T on the plus strand (C>A on the coding strand, the complement: IDS is on the minus strand). VCF-style: chrX-149487058-G-T. GRCh37 (hg19) VCF-style: chrX-148568589-G-T.
Other names: c.777C>A, p.Ser259Arg (NM_001166550.4); short protein forms S259R, S349R.
Identifiers: ClinVar variation 996921 (VCV000996921.3), dbSNP rs375836575, ClinGen allele CA414518949.